The following is an entry in ClinVar:

NM_000384.3(APOB):c.2558T>C (p.Val853Ala)

Gene: APOB (apolipoprotein B; minus strand). Cytogenetic location: 2p24.1.
Variant type: single nucleotide variant.
Coding change: c.2558T>C on transcript NM_000384.3 (MANE Select); coding-DNA position 2558, T replaced by C.
Protein change: p.Val853Ala; replaces valine 853 with alanine.
Molecular consequence: missense variant.
Genome position (GRCh38, 1-based): chr2:21,023,571, A>G on the plus strand (T>C on the coding strand, the complement: APOB is on the minus strand). VCF-style: chr2-21023571-A-G. GRCh37 (hg19) VCF-style: chr2-21246443-A-G.
Other names: short protein forms V853A.
Identifiers: ClinVar variation 3231389 (VCV003231389.1), dbSNP rs1663665617, ClinGen allele CA346011020.
Genomic context (GRCh38, chr2:21,023,571, plus strand): 5'-AAACAGAATCTTACGTTGGCTACTTCCAGTTTTACTCCAGCCTTGGCTCCGGGAGCAATG[A>G]CTCCAGATGAAGATATTTGCAACTGTAATCCAGCTCCAGTGGGGAGTTCAAAGGCATTCT-3'
Protein context (NP_000375.3, residues 843-863): GLQLQISSSG[Val853Ala]IAPGAKAGVK

ClinVar aggregate classification (germline): Uncertain significance (1 of 4 stars; one submission).

Conditions:
Cardiovascular phenotype. Identifiers: MedGen CN230736.

Allele frequency attached by ClinVar (database versions not stated): TOPMed below 0.00001.
gnomAD v4.1: 1 of 1,614,034 alleles (0.000062%); no homozygotes.

Submission:

Ambry Genetics
Classification: Uncertain significance for Cardiovascular phenotype. Last evaluated: 2023-12-21. Review status: criteria provided, single submitter. Criteria: Ambry Variant Classification Scheme 2023. Collection method: clinical testing. Allele origin: germline.
Comment: The p.V853A variant (also known as c.2558T>C), located in coding exon 17 of the APOB gene, results from a T to C substitution at nucleotide position 2558. The valine at codon 853 is replaced by alanine, an amino acid with similar properties. This amino acid position is conserved. In addition, this alteration is predicted to be tolerated by in silico analysis. Since supporting evidence is limited at this time, the clinical significance of this alteration remains unclear.